The following is an entry in ClinVar:

NM_014855.3(AP5Z1):c.27G>A (p.Leu9=)

Genes: AP5Z1 (adaptor related protein complex 5 subunit zeta 1; plus strand), LOC129997861 (ATAC-STARR-seq lymphoblastoid active region 25565; plus strand). Cytogenetic location: 7p22.1.
Variant type: single nucleotide variant.
Coding change: c.27G>A on transcript NM_014855.3 (MANE Select); coding-DNA position 27, G replaced by A.
Protein change: p.Leu9=; no amino-acid change (leucine 9 retained).
Molecular consequence: synonymous variant. On other transcripts: 5 prime UTR variant (1), non-coding transcript variant (1).
Genome position (GRCh38, 1-based): chr7:4,775,742, G>A. VCF-style: chr7-4775742-G-A. GRCh37 (hg19) VCF-style: chr7-4815373-G-A.
Other names: c.-255G>A (NM_001364858.1).
Identifiers: ClinVar variation 5038886 (VCV005038886.1).

ClinVar aggregate classification (germline): Likely benign (1 of 4 stars; one submission).

gnomAD v4.1: 1 of 1,605,642 alleles (0.000062%); highest among the groups gnomAD compares: South Asian, 0.0011%; no homozygotes.

Submission:

CeGaT Center for Human Genetics Tuebingen
Classification: Likely benign. Last evaluated: 2026-07-01. Review status: criteria provided, single submitter. Criteria: CeGaT Center For Human Genetics Tuebingen Variant Classification Criteria Version 2. Collection method: clinical testing. Allele origin: germline. Affected: yes. Observed: 1 variant allele.
Comment: AP5Z1: BP4, BP7